The following is an entry in ClinVar:

ClinVar aggregate classification (germline): Likely benign (1 of 4 stars; one submission).

Submission:

CeGaT Center for Human Genetics Tuebingen
Classification: Likely benign. Last evaluated: 2025-09-01. Review status: criteria provided, single submitter. Criteria: CeGaT Center For Human Genetics Tuebingen Variant Classification Criteria Version 2. Collection method: clinical testing. Allele origin: germline. Affected: yes. Observed: 1 variant allele.
Comment: OR4K15: PM2:Supporting, BP4, BP7

NM_001005486.2(OR4K15):c.957T>C (p.Leu319=)

Gene: OR4K15 (olfactory receptor family 4 subfamily K member 15; plus strand). Cytogenetic location: 14q11.2.
Variant type: single nucleotide variant.
Coding change: c.957T>C on transcript NM_001005486.2 (MANE Select); coding-DNA position 957, T replaced by C.
Protein change: p.Leu319=; no amino-acid change (leucine 319 retained).
Molecular consequence: synonymous variant.
Genome position (GRCh38, 1-based): chr14:19,976,547, T>C. VCF-style: chr14-19976547-T-C. GRCh37 (hg19) VCF-style: chr14-20444706-T-C.
Identifiers: ClinVar variation 4281555 (VCV004281555.7).